The following is an entry in ClinVar:

ClinVar aggregate classification (germline): Conflicting classifications of pathogenicity. Review status: criteria provided, conflicting classifications (1 of 4 stars). 4 submissions from 4 submitters: Uncertain significance (2); Likely benign (1). 1 of the submissions does not count toward it. Last evaluated 2023-01-01.

Conditions:
Spermatogenic failure 7. Also called: MALE INFERTILITY, NONSYNDROMIC, AUTOSOMAL RECESSIVE. Identifiers: Orphanet 276234, MedGen C2751811, MONDO:0013070, OMIM 612997.

Allele frequency attached by ClinVar (database versions not stated): gnomAD exomes 0.00415 and 0.00510; ESP Exome Variant Server 0.00416; ExAC 0.00473; 1000 Genomes Project 30x 0.00156; 1000 Genomes Project 0.00160; TOPMed 0.00334; gnomAD 0.00344 and 0.00354.
gnomAD v4.1: 7,914 of 1,613,790 alleles (0.49%); highest among the groups gnomAD compares: Non-Finnish European, 0.58%; 27 homozygotes.

Submissions (4):

CeGaT Center for Human Genetics Tuebingen
Classification: Likely benign. Last evaluated: 2023-01-01. Review status: criteria provided, single submitter. Criteria: CeGaT Center For Human Genetics Tuebingen Variant Classification Criteria Version 2. Collection method: clinical testing. Allele origin: germline. Affected: yes. Observed: 1 variant allele.
Comment: CATSPER1: BS2

Illumina Laboratory Services, Illumina
Classification: Uncertain significance for Spermatogenic failure 7. Last evaluated: 2018-01-13. Review status: criteria provided, single submitter. Criteria: ICSL Variant Classification Criteria 13 December 2019. Collection method: clinical testing. Allele origin: germline.

Breakthrough Genomics
Classification: Uncertain significance. Review status: criteria provided, single submitter. Criteria: ACMG Guidelines, 2015. Collection method: not provided. Allele origin: germline. Inheritance: Autosomal recessive inheritance. Affected: yes.

Zotz-Klimas Genetics Lab, MVZ Zotz Klimas
Classification: Uncertain significance for Spermatogenic failure 7. Last evaluated: 2023-11-02. Review status: no assertion criteria provided. Collection method: clinical testing. Allele origin: germline. Affected: yes. Not counted in ClinVar's aggregate classification.

NM_053054.4(CATSPER1):c.689G>A (p.Arg230His)

Gene: CATSPER1 (cation channel sperm associated 1; minus strand). Cytogenetic location: 11q13.1.
Variant type: single nucleotide variant.
Coding change: c.689G>A on transcript NM_053054.4 (MANE Select); coding-DNA position 689, G replaced by A.
Protein change: p.Arg230His; replaces arginine 230 with histidine.
Molecular consequence: missense variant.
Genome position (GRCh38, 1-based): chr11:66,025,691, C>T on the plus strand (G>A on the coding strand, the complement: CATSPER1 is on the minus strand). VCF-style: chr11-66025691-C-T. GRCh37 (hg19) VCF-style: chr11-65793162-C-T.
Other names: short protein forms R230H.
Identifiers: ClinVar variation 879841 (VCV000879841.30), dbSNP rs74794071, ClinGen allele CA6114878.